The following is an entry in ClinVar:

NM_007294.4(BRCA1):c.5317A>T (p.Thr1773Ser)

Gene: BRCA1 (BRCA1 DNA repair associated; minus strand). Cytogenetic location: 17q21.31.
Variant type: single nucleotide variant.
Coding change: c.5317A>T on transcript NM_007294.4 (MANE Select); coding-DNA position 5317, A replaced by T.
Protein change: p.Thr1773Ser; replaces threonine 1773 with serine.
Molecular consequence: missense variant. On other transcripts: non-coding transcript variant (1).
Genome position (GRCh38, 1-based): chr17:43,051,078, T>A on the plus strand (A>T on the coding strand, the complement: BRCA1 is on the minus strand). VCF-style: chr17-43051078-T-A. GRCh37 (hg19) VCF-style: chr17-41203095-T-A.
Other names: 5436A>T; c.2008A>T, p.Thr670Ser (NM_001407978.1, NM_001407973.1, NM_001407974.1 and 3 more transcripts); c.2005A>T, p.Thr669Ser (NM_001407979.1, NM_001407992.1, NM_001407993.1 and 13 more transcripts); c.5239A>T, p.Thr1747Ser (NM_001407654.1, NM_001407655.1, NM_001407652.1 and 1 more transcripts); c.5236A>T, p.Thr1746Ser (NM_001407656.1, NM_001407657.1, NM_001407658.1); c.5233A>T, p.Thr1745Ser (NM_001407659.1, NM_001407660.1, NM_001407661.1 and 2 more transcripts); c.5191A>T, p.Thr1731Ser (NM_001407673.1, NM_001407674.1, NM_001407675.1 and 10 more transcripts); c.5188A>T, p.Thr1730Ser (NM_001407681.1, NM_001407682.1, NM_001407683.1 and 6 more transcripts); and 73 more; short protein forms T1773S, T669S, T1794S, T1726S, T1477S, T1604S, T1646S, T1661S.
Identifiers: ClinVar variation 55521 (VCV000055521.29), dbSNP rs80357324, ClinGen allele CA003470.

ClinVar aggregate classification (germline): Conflicting classifications of pathogenicity. Review status: criteria provided, conflicting classifications (1 of 4 stars). 10 submissions from 10 submitters: Uncertain significance (1); Likely benign (6). 3 of the submissions do not count toward it. Last evaluated 2026-01-14.

Conditions:
Fanconi anemia, complementation group S (FANCS). Identifiers: MedGen C4554406, MONDO:0054748, OMIM 617883.
Hereditary cancer-predisposing syndrome. Also called: Hereditary Cancer Syndrome; Hereditary neoplastic syndrome; Neoplastic Syndromes, Hereditary; Tumor predisposition. Identifiers: Orphanet 140162, MedGen C0027672, MeSH D009386, MONDO:0015356.
Breast-ovarian cancer, familial, susceptibility to, 1 (BROVCA1). Also called: BRCA1 Hereditary Breast and Ovarian Cancer; OVARIAN CANCER, SUSCEPTIBILITY TO. Identifiers: Orphanet 145, MedGen C2676676, MONDO:0011450, OMIM 604370. Disease mechanism: loss of function.
Hereditary breast ovarian cancer syndrome. Also called: BRCA1- and BRCA2-Associated Hereditary Breast and Ovarian Cancer; Hereditary breast and ovarian cancer syndrome; Hereditary breast and ovarian cancer syndrome (HBOC); Breast and ovarian cancer; Hereditary breast and/or ovarian cancer syndrome; Hereditary breast and ovarian cancer. Identifiers: Orphanet 145, MedGen C0677776, MeSH D061325, MONDO:0003582. Disease mechanism: loss of function.

Allele frequency attached by ClinVar (database versions not stated): gnomAD 0.00001; ESP Exome Variant Server 0.00008; gnomAD exomes 0.00001; TOPMed 0.00001; ExAC 0.00001.
gnomAD v4.1: 19 of 1,613,864 alleles (0.0012%); highest among the groups gnomAD compares: Non-Finnish European, 0.0016%; no homozygotes.

Submissions (11):

Labcorp Genetics (formerly Invitae), Labcorp
Classification: Likely benign for Hereditary breast ovarian cancer syndrome. Last evaluated: 2026-01-14. Review status: criteria provided, single submitter. Criteria: Invitae Variant Classification Sherloc (09022015). Collection method: clinical testing. Allele origin: germline.

Women's Health and Genetics/Laboratory Corporation of America, LabCorp
Classification: Likely benign. Last evaluated: 2025-05-12. Review status: criteria provided, single submitter. Criteria: LabCorp Variant Classification Summary - May 2015. Collection method: clinical testing. Allele origin: germline.
Comment: Variant summary: BRCA1 c.5317A>T (p.Thr1773Ser) results in a conservative amino acid change located in the BRCT domain (IPR001357) of the encoded protein sequence. Algorithms developed to predict the effect of missense changes on protein structure and function are either unavailable or do not agree on the potential impact of this missense change. The variant allele was found at a frequency of 1.2e-05 in 251376 control chromosomes. The available data on variant occurrences in the general population are insufficient to allow any conclusion about variant significance. To our knowledge, no occurrence of c.5317A>T in individuals affected with Hereditary Breast And Ovarian Cancer Syndrome has been reported. At-least one co-occurrence with another pathogenic variant has been reported in the BIC database (BRCA2 c.6275_6276delTT, p.Leu2092Profs), providing supporting evidence for a benign role. Multiple publications publication report consistent and reproducible experimental evidence evaluating an impact on protein function. These results showed no damaging effect of this variant on Transcriptional Activity (example, Nepomuceno_2022, Woods_2016) as well as Homology Directed Repair (HDR) (example, Findlay_2018) based assays. The following publications have been ascertained in the context of this evaluation (PMID: 30209399, 36171434, 28781887). ClinVar contains an entry for this variant (Variation ID: 55521). Based on the evidence outlined above, the variant was classified as likely benign.

Quest Diagnostics Nichols Institute San Juan Capistrano
Classification: Likely benign. Last evaluated: 2025-04-10. Review status: criteria provided, single submitter. Criteria: Quest Diagnostics criteria. Collection method: clinical testing. Allele origin: unknown.

Department of Pathology and Laboratory Medicine, Sinai Health System
Classification: Uncertain significance for Fanconi anemia, complementation group S. Last evaluated: 2023-05-01. Review status: criteria provided, single submitter. Criteria: ACMG Guidelines, 2015. Collection method: clinical testing. Allele origin: germline. Affected: no.

GeneDx
Classification: Likely benign. Last evaluated: 2019-06-24. Review status: criteria provided, single submitter. Criteria: GeneDx Variant Classification Process June 2021. Collection method: clinical testing. Allele origin: germline. Affected: yes.
Comment: Not observed at a significant frequency in large population cohorts (Lek et al., 2016); This variant is associated with the following publications: (PMID: 30765603, 30702160, 30209399, 28781887, 24753228, 10946236, 28050887, 11877378, 15172985, 15235020, 25748678, 20516115, 17305420, 25782689, 20378548)

Color Diagnostics, LLC DBA Color Health
Classification: Likely benign for Hereditary cancer-predisposing syndrome. Last evaluated: 2018-03-09. Review status: criteria provided, single submitter. Criteria: ACMG Guidelines, 2015. Collection method: clinical testing. Allele origin: germline.

Ambry Genetics
Classification: Likely benign for Hereditary cancer-predisposing syndrome. Last evaluated: 2017-06-12. Review status: criteria provided, single submitter. Criteria: Ambry Variant Classification Scheme 2023. Collection method: clinical testing. Allele origin: germline.

Counsyl
Classification: Uncertain significance for Breast-ovarian cancer, familial, susceptibility to, 1. Last evaluated: 2016-02-03. Review status: no assertion criteria provided. Collection method: clinical testing. Allele origin: unknown. Not counted in ClinVar's aggregate classification.

Sharing Clinical Reports Project (SCRP)
Classification: Likely benign for Breast-ovarian cancer, familial 1. Last evaluated: 2012-08-22. Review status: no assertion criteria provided. Collection method: clinical testing. Allele origin: germline. Not counted in ClinVar's aggregate classification.

Breast Cancer Information Core (BIC) (BRCA1)
Classification: Uncertain significance for Breast-ovarian cancer, familial 1. Review status: no assertion criteria provided. Collection method: clinical testing. Allele origin: germline. Affected: yes. Observed: 1 variant allele. Not counted in ClinVar's aggregate classification.

Brotman Baty Institute, University of Washington
No classification provided (evidence only). Condition: Breast-ovarian cancer, familial 1. Review status: no classification provided. Collection method: in vitro. Allele origin: not applicable. Functional consequence: functionally_normal. Not counted in ClinVar's aggregate classification.
ClinVar note: "not provided" was previously submitted as the classification for the variant. However, the classification appeared to be based only on an observation of functional data so it was converted to no classification on 2025-07-30.

Literature cited by the submitters: PubMed 30209399 (cited by 3 submitters); PubMed 28781887 (cited by Women's Health and Genetics/Laboratory Corporation of America, LabCorp and Quest Diagnostics Nichols Institute San Juan Capistrano); PubMed 36171434 (cited by Women's Health and Genetics/Laboratory Corporation of America, LabCorp); PubMed 30702160 (cited by Quest Diagnostics Nichols Institute San Juan Capistrano); PubMed 25782689 (cited by Quest Diagnostics Nichols Institute San Juan Capistrano and Counsyl); PubMed 15172985 (cited by Quest Diagnostics Nichols Institute San Juan Capistrano and Counsyl); PubMed 20516115 (cited by 3 submitters); PubMed 25748678 (cited by Quest Diagnostics Nichols Institute San Juan Capistrano and Counsyl); PubMed 20378548 (cited by Quest Diagnostics Nichols Institute San Juan Capistrano and Counsyl); PubMed 15385441 (cited by Quest Diagnostics Nichols Institute San Juan Capistrano and Counsyl); PubMed 15235020 (cited by Quest Diagnostics Nichols Institute San Juan Capistrano and Counsyl); PubMed 14534301 (cited by Quest Diagnostics Nichols Institute San Juan Capistrano and Counsyl); PubMed 11877378 (cited by Counsyl); PubMed 17305420 (cited by Counsyl).